The following is an entry in ClinVar:

NM_014780.5(CUL7):c.4553A>G (p.Lys1518Arg)

Gene: CUL7 (cullin 7; minus strand). Cytogenetic location: 6p21.1.
Variant type: single nucleotide variant.
Coding change: c.4553A>G on transcript NM_014780.5 (MANE Select); coding-DNA position 4553, A replaced by G.
Protein change: p.Lys1518Arg; replaces lysine 1518 with arginine.
Molecular consequence: missense variant.
Genome position (GRCh38, 1-based): chr6:43,038,580, T>C on the plus strand (A>G on the coding strand, the complement: CUL7 is on the minus strand). VCF-style: chr6-43038580-T-C. GRCh37 (hg19) VCF-style: chr6-43006318-T-C.
Other names: c.4649A>G, p.Lys1550Arg (NM_001168370.2, NM_001374872.1); c.4553A>G, p.Lys1518Arg (NM_001374873.1); c.4550A>G, p.Lys1517Arg (NM_001374874.1); short protein forms K1518R, K1517R, K1550R.
Identifiers: ClinVar variation 1460696 (VCV001460696.8), dbSNP rs1385566888, ClinGen allele CA364188945.

ClinVar aggregate classification (germline): Uncertain significance (1 of 4 stars; one submission).

Submission:

Labcorp Genetics (formerly Invitae), Labcorp
Classification: Uncertain significance. Last evaluated: 2021-05-08. Review status: criteria provided, single submitter. Criteria: Invitae Variant Classification Sherloc (09022015). Collection method: clinical testing. Allele origin: germline.
Comment: In summary, the available evidence is currently insufficient to determine the role of this variant in disease. Therefore, it has been classified as a Variant of Uncertain Significance. Algorithms developed to predict the effect of missense changes on protein structure and function output the following: SIFT: "Tolerated"; PolyPhen-2: "Benign"; Align-GVGD: "Class C0". The arginine amino acid residue is found in multiple mammalian species, suggesting that this missense change does not adversely affect protein function. These predictions have not been confirmed by published functional studies and their clinical significance is uncertain. This variant has not been reported in the literature in individuals with CUL7-related conditions. This variant is not present in population databases (ExAC no frequency). This sequence change replaces lysine with arginine at codon 1518 of the CUL7 protein (p.Lys1518Arg). The lysine residue is moderately conserved and there is a small physicochemical difference between lysine and arginine.